The following is an entry in ClinVar:

NM_001039876.3(SYNE4):c.26C>T (p.Pro9Leu)

Gene: SYNE4 (spectrin repeat containing nuclear envelope family member 4; minus strand). Cytogenetic location: 19q13.12.
Variant type: single nucleotide variant.
Coding change: c.26C>T on transcript NM_001039876.3 (MANE Select); coding-DNA position 26, C replaced by T.
Protein change: p.Pro9Leu; replaces proline 9 with leucine.
Molecular consequence: missense variant.
Genome position (GRCh38, 1-based): chr19:36,008,656, G>A on the plus strand (C>T on the coding strand, the complement: SYNE4 is on the minus strand). VCF-style: chr19-36008656-G-A. GRCh37 (hg19) VCF-style: chr19-36499558-G-A.
Other names: c.26C>T, p.Pro9Leu (NM_001297735.3); short protein forms P9L.
Identifiers: ClinVar variation 3706920 (VCV003706920.1).

ClinVar aggregate classification (germline): Uncertain significance (1 of 4 stars; one submission).

gnomAD v4.1: 16 of 1,613,542 alleles (0.00099%); highest among the groups gnomAD compares: Admixed American, 0.027%; no homozygotes.

Submission:

Labcorp Genetics (formerly Invitae), Labcorp
Classification: Uncertain significance. Last evaluated: 2024-04-01. Review status: criteria provided, single submitter. Criteria: Invitae Variant Classification Sherloc (09022015). Collection method: clinical testing. Allele origin: germline.
Comment: This sequence change replaces proline, which is neutral and non-polar, with leucine, which is neutral and non-polar, at codon 9 of the SYNE4 protein (p.Pro9Leu). This variant is present in population databases (rs749513822, gnomAD 0.05%). This variant has not been reported in the literature in individuals affected with SYNE4-related conditions. Advanced modeling of protein sequence and biophysical properties (such as structural, functional, and spatial information, amino acid conservation, physicochemical variation, residue mobility, and thermodynamic stability) performed at Invitae indicates that this missense variant is not expected to disrupt SYNE4 protein function with a negative predictive value of 80%. In summary, the available evidence is currently insufficient to determine the role of this variant in disease. Therefore, it has been classified as a Variant of Uncertain Significance.